The following is an entry in ClinVar:

NM_000900.5(MGP):c.215C>G (p.Ala72Gly)

Gene: MGP (matrix Gla protein; minus strand). Cytogenetic location: 12p12.3.
Variant type: single nucleotide variant.
Coding change: c.215C>G on transcript NM_000900.5 (MANE Select); coding-DNA position 215, C replaced by G.
Protein change: p.Ala72Gly; replaces alanine 72 with glycine.
Molecular consequence: missense variant.
Genome position (GRCh38, 1-based): chr12:14,882,236, G>C on the plus strand (C>G on the coding strand, the complement: MGP is on the minus strand). VCF-style: chr12-14882236-G-C. GRCh37 (hg19) VCF-style: chr12-15035170-G-C.
Other names: c.290C>G, p.Ala97Gly (NM_001190839.3); short protein forms A72G, A97G.
Identifiers: ClinVar variation 1060638 (VCV001060638.9), dbSNP rs771141296, ClinGen allele CA384019836.

ClinVar aggregate classification (germline): Uncertain significance (1 of 4 stars; one submission).

Submission:

Labcorp Genetics (formerly Invitae), Labcorp
Classification: Uncertain significance. Last evaluated: 2025-04-23. Review status: criteria provided, single submitter. Criteria: Invitae Variant Classification Sherloc (09022015). Collection method: clinical testing. Allele origin: germline.
Comment: This sequence change replaces alanine, which is neutral and non-polar, with glycine, which is neutral and non-polar, at codon 72 of the MGP protein (p.Ala72Gly). This variant is present in population databases (no rsID available, gnomAD 0.006%). This variant has not been reported in the literature in individuals affected with MGP-related conditions. ClinVar contains an entry for this variant (Variation ID: 1060638). An algorithm developed to predict the effect of missense changes on protein structure and function (PolyPhen-2) suggests that this variant is likely to be disruptive. In summary, the available evidence is currently insufficient to determine the role of this variant in disease. Therefore, it has been classified as a Variant of Uncertain Significance.